The following is an entry in ClinVar:

ClinVar aggregate classification (germline): Uncertain significance (1 of 4 stars; one submission).

Submission:

GeneDx
Classification: Uncertain significance. Last evaluated: 2026-10-22. Review status: criteria provided, single submitter. Criteria: GeneDx Variant Classification Process June 2021. Collection method: clinical testing. Allele origin: germline.
Comment: Not observed at significant frequency in large population cohorts (gnomAD); In silico analysis supports that this missense variant has a deleterious effect on protein structure/function; Has not been previously published as pathogenic or benign to our knowledge

NM_006734.4(HIVEP2):c.1247C>T (p.Thr416Ile)

Gene: HIVEP2 (HIVEP zinc finger 2; minus strand). Cytogenetic location: 6q24.2.
Variant type: single nucleotide variant.
Coding change: c.1247C>T on transcript NM_006734.4 (MANE Select); coding-DNA position 1247, C replaced by T.
Protein change: p.Thr416Ile; replaces threonine 416 with isoleucine.
Molecular consequence: missense variant.
Genome position (GRCh38, 1-based): chr6:142,773,492, G>A on the plus strand (C>T on the coding strand, the complement: HIVEP2 is on the minus strand). VCF-style: chr6-142773492-G-A. GRCh37 (hg19) VCF-style: chr6-143094629-G-A.
Other names: c.1247C>T, p.Thr416Ile (NM_001438449.1, NM_001438450.1, NM_001438451.1); short protein forms T416I.
Identifiers: ClinVar variation 5016872 (VCV005016872.2).